The following is an entry in ClinVar:

NM_003235.5(TG):c.6304G>C (p.Val2102Leu)

Gene: TG (thyroglobulin; plus strand). Cytogenetic location: 8q24.22.
Variant type: single nucleotide variant.
Coding change: c.6304G>C on transcript NM_003235.5 (MANE Select); coding-DNA position 6304, G replaced by C.
Protein change: p.Val2102Leu; replaces valine 2102 with leucine.
Molecular consequence: missense variant.
Genome position (GRCh38, 1-based): chr8:133,011,942, G>C. VCF-style: chr8-133011942-G-C. GRCh37 (hg19) VCF-style: chr8-134024187-G-C.
Other names: short protein forms V2102L.
Identifiers: ClinVar variation 373331 (VCV000373331.2), dbSNP rs1022412169, ClinGen allele CA16042624.

ClinVar aggregate classification (germline): Uncertain significance (1 of 4 stars; one submission).

Allele frequency attached by ClinVar (database versions not stated): gnomAD 0.00003; TOPMed 0.00001.
gnomAD v4.1: 3 of 1,614,078 alleles (0.00019%); highest among the groups gnomAD compares: African/African-American, 0.004%; no homozygotes.

Submission:

GeneDx
Classification: Uncertain significance. Last evaluated: 2016-11-29. Review status: criteria provided, single submitter. Criteria: GeneDx Variant Classification (06012015). Collection method: clinical testing. Allele origin: germline. Affected: yes.
Comment: The V2102L variant in the TG gene has not been reported previously as a pathogenic variant, nor as a benign variant, to our knowledge. The V2102L variant was not observed in approximately 6,500 individuals of European and African American ancestry in the NHLBI Exome Sequencing Project, indicating it is not a common benign variant in these populations. The V2102L variant is a conservative amino acid substitution, which occurs at a position where amino acids with similar properties to Valine are tolerated across species. In silico analysis predicts this variant likely does not alter the protein structure/function. We interpret V2102L as a variant of uncertain significance.